The following is an entry in ClinVar:

NM_000143.4(FH):c.998G>A (p.Cys333Tyr)

Gene: FH (fumarate hydratase; minus strand). Cytogenetic location: 1q43.
Variant type: single nucleotide variant.
Coding change: c.998G>A on transcript NM_000143.4 (MANE Select); coding-DNA position 998, G replaced by A.
Protein change: p.Cys333Tyr; replaces cysteine 333 with tyrosine.
Molecular consequence: missense variant.
Genome position (GRCh38, 1-based): chr1:241,504,152, C>T on the plus strand (G>A on the coding strand, the complement: FH is on the minus strand). VCF-style: chr1-241504152-C-T. GRCh37 (hg19) VCF-style: chr1-241667452-C-T.
Other names: short protein forms C333Y.
Identifiers: ClinVar variation 529826 (VCV000529826.14), dbSNP rs1553341032, ClinGen allele CA345438255.

ClinVar aggregate classification (germline): Conflicting classifications of pathogenicity. Review status: criteria provided, conflicting classifications (1 of 4 stars). 4 submissions from 4 submitters: Likely pathogenic (3); Uncertain significance (1). Last evaluated 2025-11-12.

Conditions:
Hereditary cancer-predisposing syndrome. Also called: Hereditary neoplastic syndrome; Neoplastic Syndromes, Hereditary; Hereditary Cancer Syndrome; Tumor predisposition. Identifiers: Orphanet 140162, MedGen C0027672, MeSH D009386, MONDO:0015356.
Hereditary leiomyomatosis and renal cell cancer. Also called: MULTIPLE CUTANEOUS AND UTERINE LEIOMYOMATA 1, WITH OR WITHOUT RENAL CELL CARCINOMA; LEIOMYOMA, MULTIPLE CUTANEOUS; Familial leiomyomatosis; Multiple cutaneous leiomyomas; FH tumor predisposition syndrome; Reed syndrome. Identifiers: Orphanet 523, MedGen C1708350, MONDO:0007888, OMIM 150800, HP:0007437. Disease mechanism: loss of function.

Submissions (5):

Myriad Genetics, Inc.
Classification: Likely pathogenic for Hereditary leiomyomatosis and renal cell cancer. Last evaluated: 2025-11-12. Review status: criteria provided, single submitter. Criteria: Myriad Autosomal Dominant, Autosomal Recessive and X-Linked Classification Criteria (2023). Collection method: clinical testing. Allele origin: unknown.
Comment: This variant is considered likely pathogenic. This variant has been reported in multiple individuals with clinical features of gene-specific disease [PMID: 21398687, 17768033, 37053010]. Functional studies indicate this variant impacts protein function [PMID: 37053010, 37255402]. This variant is expected to disrupt protein structure [Myriad internal data].

Ambry Genetics
Classification: Likely pathogenic for Hereditary cancer-predisposing syndrome. Last evaluated: 2025-10-03. Review status: criteria provided, single submitter. Criteria: Ambry Variant Classification Scheme 2023. Collection method: clinical testing. Allele origin: germline.
Comment: The p.C333Y variant (also known as c.998G>A), located in coding exon 7 of the FH gene, results from a G to A substitution at nucleotide position 998. The cysteine at codon 333 is replaced by tyrosine, an amino acid with highly dissimilar properties. This variant (also designated as C290Y) has been identified in multiple individuals with HLRCC (Makino T et al. J Dermatol Sci, 2007 Nov;48:151-3; Gardie B et al. J Med Genet, 2011 Apr;48:226-34; Muller M et al. Clin Genet, 2017 Dec;92:606-615). This alteration was also found to reduce FH activity to 40% compared to wildtype (Gardie B et al. J Med Genet, 2011 Apr;48:226-34). This variant is considered to be rare based on population cohorts in the Genome Aggregation Database (gnomAD). This amino acid position is well conserved in available vertebrate species. In addition, this alteration is predicted to be deleterious by in silico analysis. Based on the majority of available evidence to date, this variant is likely to be pathogenic.

GeneDx
Classification: Uncertain significance. Last evaluated: 2023-03-24. Review status: criteria provided, single submitter. Criteria: GeneDx Variant Classification Process June 2021. Collection method: clinical testing. Allele origin: germline. Affected: yes.
Comment: Not observed at significant frequency in large population cohorts (gnomAD); In silico analysis supports that this missense variant has a deleterious effect on protein structure/function; Also known as c.869G>A p.(C290Y); This variant is associated with the following publications: (PMID: 21445611, 21398687, 12761039, 28300276, 17768033)

Labcorp Genetics (formerly Invitae), Labcorp
Classification: Likely pathogenic. Last evaluated: 2022-01-11. Review status: criteria provided, single submitter. Criteria: Invitae Variant Classification Sherloc (09022015). Collection method: clinical testing. Allele origin: germline.
Comment: This missense change has been observed in individuals with hereditary leiomyomatosis and renal cell cancer (HLRCC) (PMID: 17768033, 21398687; Invitae). This variant is also known as c.869G>A, p.Cys290Tyr. ClinVar contains an entry for this variant (Variation ID: 529826). Advanced modeling of protein sequence and biophysical properties (such as structural, functional, and spatial information, amino acid conservation, physicochemical variation, residue mobility, and thermodynamic stability) performed at Invitae indicates that this missense variant is expected to disrupt FH protein function. Experimental studies have shown that this missense change affects FH function (PMID: 21398687). In summary, the currently available evidence indicates that the variant is pathogenic, but additional data are needed to prove that conclusively. Therefore, this variant has been classified as Likely Pathogenic. This sequence change replaces cysteine, which is neutral and slightly polar, with tyrosine, which is neutral and polar, at codon 333 of the FH protein (p.Cys333Tyr). This variant is not present in population databases (gnomAD no frequency).

Blake Wilde Laboratory, Roswell Park Comprehensive Cancer Center
No classification provided (evidence only). Condition: Hereditary leiomyomatosis and renal cell cancer. Review status: no classification provided. Collection method: in vitro. Allele origin: not applicable. Functional consequence: decreased enzyme activity. Not counted in ClinVar's aggregate classification.

Literature cited by the submitters: PubMed 21398687 (cited by 3 submitters); PubMed 17768033 (cited by 3 submitters); PubMed 37053010 (cited by Myriad Genetics, Inc.); PubMed 37255402 (cited by Myriad Genetics, Inc.); PubMed 12761039 (cited by Ambry Genetics); PubMed 21445611 (cited by Ambry Genetics); PubMed 28300276 (cited by Ambry Genetics).